The following is an entry in ClinVar:

ClinVar aggregate classification (germline): Uncertain significance. Review status: criteria provided, multiple submitters, no conflicts (2 of 4 stars). 2 submissions from 2 submitters: Uncertain significance (2). Last evaluated 2023-05-23.

gnomAD v4.1: 1 of 1,614,226 alleles (0.000062%); no homozygotes.

Submissions (2):

Labcorp Genetics (formerly Invitae), Labcorp
Classification: Uncertain significance. Last evaluated: 2023-05-23. Review status: criteria provided, single submitter. Criteria: Invitae Variant Classification Sherloc (09022015). Collection method: clinical testing. Allele origin: germline.
Comment: This variant is not present in population databases (gnomAD no frequency). This sequence change replaces phenylalanine, which is neutral and non-polar, with serine, which is neutral and polar, at codon 4311 of the USH2A protein (p.Phe4311Ser). In summary, the available evidence is currently insufficient to determine the role of this variant in disease. Therefore, it has been classified as a Variant of Uncertain Significance. Advanced modeling of protein sequence and biophysical properties (such as structural, functional, and spatial information, amino acid conservation, physicochemical variation, residue mobility, and thermodynamic stability) has been performed at Invitae for this missense variant, however the output from this modeling did not meet the statistical confidence thresholds required to predict the impact of this variant on USH2A protein function. ClinVar contains an entry for this variant (Variation ID: 866854). This variant has not been reported in the literature in individuals affected with USH2A-related conditions.

Blueprint Genetics
Classification: Uncertain significance. Last evaluated: 2018-11-14. Review status: criteria provided, single submitter. Criteria: ACMG Guidelines, 2015. Collection method: clinical testing. Allele origin: germline.

NM_206933.4(USH2A):c.12932T>C (p.Phe4311Ser)

Gene: USH2A (usherin; minus strand). Cytogenetic location: 1q41.
Variant type: single nucleotide variant.
Coding change: c.12932T>C on transcript NM_206933.4 (MANE Select); coding-DNA position 12932, T replaced by C.
Protein change: p.Phe4311Ser; replaces phenylalanine 4311 with serine.
Molecular consequence: missense variant.
Genome position (GRCh38, 1-based): chr1:215,674,979, A>G on the plus strand (T>C on the coding strand, the complement: USH2A is on the minus strand). VCF-style: chr1-215674979-A-G. GRCh37 (hg19) VCF-style: chr1-215848321-A-G.
Other names: short protein forms F4311S.
Identifiers: ClinVar variation 866854 (VCV000866854.5), dbSNP rs1657960260, ClinGen allele CA344848183.